The following is an entry in ClinVar:

ClinVar aggregate classification (germline): Likely pathogenic (0 of 4 stars; one submission).

Conditions:
Autosomal recessive nonsyndromic hearing loss 9. Also called: NEUROSENSORY NONSYNDROMIC RECESSIVE DEAFNESS 9; OTOF-Related Hearing Loss; Deafness, autosomal recessive 9; AUDITORY NEUROPATHY, AUTOSOMAL RECESSIVE, 1, TEMPERATURE-SENSITIVE. Identifiers: Orphanet 90636, MedGen C1832828, MONDO:0010986, OMIM 601071.

Submission:

Diagnosis and Treatment Center of Genetic Hearing Loss, Eye & ENT Hospital of Fudan University
Classification: Likely pathogenic for Autosomal recessive nonsyndromic hearing loss 9. Last evaluated: 2026-02-04. Review status: no assertion criteria provided. Collection method: clinical testing. Allele origin: germline. Inheritance: Autosomal recessive inheritance. Affected: yes.
Comment: The c.2524-1G>C splice acceptor variant in OTOF is predicted to disrupt splicing (PVS1). It is absent from population databases (PM2_Supporting).

NM_194248.3(OTOF):c.2524-1G>C

Gene: OTOF (otoferlin; minus strand). Cytogenetic location: 2p23.3.
Variant type: single nucleotide variant.
Coding change: c.2524-1G>C on transcript NM_194248.3 (MANE Select); the canonical splice acceptor site of the intron before coding-DNA position 2524, G replaced by C.
Molecular consequence: splice acceptor variant.
Genome position (GRCh38, 1-based): chr2:26,477,044, C>G on the plus strand (G>C on the coding strand, the complement: OTOF is on the minus strand). VCF-style: chr2-26477044-C-G. GRCh37 (hg19) VCF-style: chr2-26699912-C-G.
Other names: c.2524-1G>C (NM_001287489.2); c.283-1G>C (NM_194323.3, NM_004802.4); c.454-1G>C (NM_194322.3).
Identifiers: ClinVar variation 4879941 (VCV004879941.1).